The following is an entry in ClinVar:

ClinVar aggregate classification (germline): Uncertain significance. Review status: criteria provided, multiple submitters, no conflicts (2 of 4 stars). 4 submissions from 4 submitters: Uncertain significance (4). Last evaluated 2025-10-02.

Conditions:
Emery-Dreifuss muscular dystrophy 4, autosomal dominant (EDMD4). Also called: EMERY-DREIFUSS MUSCULAR DYSTROPHY 4 WITH VARIABLE FEATURES. Identifiers: Orphanet 261, MedGen C2751807, MONDO:0013071, OMIM 612998.
Autosomal recessive ataxia, Beauce type. Also called: Spinocerebellar ataxia, autosomal recessive 8; ATAXIA, RECESSIVE, OF BEAUCE; SYNE1 Deficiency; SYNE1-Related Autosomal Recessive Cerebellar Ataxia. Identifiers: Orphanet 88644, MedGen C1853116, MONDO:0012549, OMIM 610743.

Allele frequency attached by ClinVar (database versions not stated): TOPMed 0.00002; gnomAD exomes 0.00003 and 0.00007; gnomAD 0.00005; ExAC 0.00007.
gnomAD v4.1: 55 of 1,614,072 alleles (0.0034%); highest among the groups gnomAD compares: Non-Finnish European, 0.0039%; no homozygotes.

Submissions (4):

Labcorp Genetics (formerly Invitae), Labcorp
Classification: Uncertain significance for Emery-Dreifuss muscular dystrophy 4, autosomal dominant; Autosomal recessive ataxia, Beauce type. Last evaluated: 2025-10-02. Review status: criteria provided, single submitter. Criteria: Invitae Variant Classification Sherloc (09022015). Collection method: clinical testing. Allele origin: germline.
Comment: This sequence change replaces aspartic acid, which is acidic and polar, with asparagine, which is neutral and polar, at codon 8217 of the SYNE1 protein (p.Asp8217Asn). This variant is present in population databases (rs748216902, gnomAD 0.01%). This variant has not been reported in the literature in individuals affected with SYNE1-related conditions. ClinVar contains an entry for this variant (Variation ID: 595819). An algorithm developed to predict the effect of missense changes on protein structure and function (PolyPhen-2) suggests that this variant is likely to be disruptive. In summary, the available evidence is currently insufficient to determine the role of this variant in disease. Therefore, it has been classified as a Variant of Uncertain Significance.

Revvity Omics, Revvity
Classification: Uncertain significance. Last evaluated: 2025-07-15. Review status: criteria provided, single submitter. Criteria: ACMG Guidelines, 2015. Collection method: clinical testing. Allele origin: germline.

Blueprint Genetics
Classification: Uncertain significance. Last evaluated: 2024-07-18. Review status: criteria provided, single submitter. Criteria: ACMG Guidelines, 2015. Collection method: clinical testing. Allele origin: germline.

Eurofins Ntd Llc (ga)
Classification: Uncertain significance. Last evaluated: 2018-01-23. Review status: criteria provided, single submitter. Criteria: EGL Classification Definitions 2015. Collection method: clinical testing. Allele origin: germline. Observed: 3 variant alleles, 3 heterozygotes.

NM_182961.4(SYNE1):c.24862G>A (p.Asp8288Asn)

Gene: SYNE1 (spectrin repeat containing nuclear envelope protein 1; minus strand). Cytogenetic location: 6q25.2.
Variant type: single nucleotide variant.
Coding change: c.24862G>A on transcript NM_182961.4 (MANE Select); coding-DNA position 24862, G replaced by A.
Protein change: p.Asp8288Asn; replaces aspartic acid 8288 with asparagine.
Molecular consequence: missense variant.
Genome position (GRCh38, 1-based): chr6:152,148,159, C>T on the plus strand (G>A on the coding strand, the complement: SYNE1 is on the minus strand). VCF-style: chr6-152148159-C-T. GRCh37 (hg19) VCF-style: chr6-152469294-C-T.
Other names: c.1468G>A, p.Asp490Asn (NM_001347701.2); c.1327G>A, p.Asp443Asn (NM_001347702.2); c.24649G>A, p.Asp8217Asn (NM_033071.5); short protein forms D8288N, D8217N, D443N, D490N.
Identifiers: ClinVar variation 595819 (VCV000595819.15), dbSNP rs748216902, ClinGen allele CA4053056.